The following is an entry in ClinVar:

ClinVar aggregate classification (germline): Likely pathogenic (1 of 4 stars; one submission).

Conditions:
Severe myoclonic epilepsy in infancy (DRVT). Also called: Dravet syndrome; Epileptic encephalopathy, early infantile, 6 (Dravet syndrome); SEVERE MYOCLONIC EPILEPSY OF INFANCY; DEVELOPMENTAL AND EPILEPTIC ENCEPHALOPATHY 6A; Severe Myoclonic Epilepsy in Infancy (SMEI). Identifiers: Orphanet 33069, MedGen C0751122, MONDO:0100135, OMIM 607208.

Submission:

Neuberg Centre For Genomic Medicine, NCGM
Classification: Likely pathogenic for Severe myoclonic epilepsy in infancy. Review status: criteria provided, single submitter. Criteria: ACMG Guidelines, 2015. Collection method: clinical testing. Allele origin: germline. Affected: yes.
Comment: The frameshift deletion p.F408Sfs*7 in SCN1A (NM_001165963.4) has not been reported previously as a pathogenic variant nor as a benign variant, to our knowledge. The p.F408Sfs*7 variant is novel (not in any individuals) in gnomAD Exomes and is novel (not in any individuals) in 1000 Genomes. This variant is predicted to cause loss of normal protein function through protein truncation caused a frameshift mutation. The frame shifted sequence continues 7 residues until a stop codon is reached. The p.F408Sfs*7 variant is a loss of function variant in the gene SCN1A, which is intolerant of Loss of Function variants. For these reasons, this variant has been classified as Likely Pathogenic.

NM_001165963.4(SCN1A):c.1223del (p.Phe408fs)

Gene: SCN1A (sodium voltage-gated channel alpha subunit 1; minus strand). Cytogenetic location: 2q24.3.
Variant type: Deletion.
Coding change: c.1223del on transcript NM_001165963.4 (MANE Select); coding-DNA position 1223, one base deleted (T; older notation c.1223delT).
Protein change: p.Phe408fs; shifts the reading frame from phenylalanine 408.
Molecular consequence: frameshift variant. On other transcripts: 5 prime UTR variant (1), non-coding transcript variant (1).
Genome position (GRCh38, 1-based): chr2:166,046,924, A deleted on the plus strand (T on the coding strand, the reverse complement: SCN1A is on the minus strand); the first of 4 consecutive A bases (chr2:166,046,924-166,046,927); deleting any one gives the same sequence. VCF-style (leftmost placement, unchanged base first): chr2-166046923-GA-G. GRCh37 (hg19) VCF-style: chr2-166903433-GA-G.
Other names: c.1223del, p.Phe408fs (NM_001165964.3, NM_001202435.3, NM_001353948.2 and 10 more transcripts); c.-1203del (NM_001353961.2); short protein forms F408fs.
Identifiers: ClinVar variation 1878585 (VCV001878585.1), dbSNP rs2468182008, ClinGen allele CA2580064374.
Genomic context (GRCh38, chr2:166,046,923, plus strand): 5'-TTCCTCGTAGGCCATGGCCACCACAGCCAGGATCAAATTTATTAGGTAGAATGAGCCCAA[GA>G]AAATGACCAATACAAAAAATATCATGTACGTTTTCCCAGCAGCACGTAATGTCTGCAAAC-3'